The following is an entry in ClinVar:

ClinVar aggregate classification (germline): Uncertain significance (1 of 4 stars; one submission).

gnomAD v4.1: 2 of 1,613,354 alleles (0.00012%); highest among the groups gnomAD compares: Non-Finnish European, 0.000085%; no homozygotes.

Submission:

Labcorp Genetics (formerly Invitae), Labcorp
Classification: Uncertain significance. Last evaluated: 2023-05-30. Review status: criteria provided, single submitter. Criteria: Invitae Variant Classification Sherloc (09022015). Collection method: clinical testing. Allele origin: germline.
Comment: This sequence change replaces serine, which is neutral and polar, with phenylalanine, which is neutral and non-polar, at codon 360 of the CREB3L3 protein (p.Ser360Phe). In summary, the available evidence is currently insufficient to determine the role of this variant in disease. Therefore, it has been classified as a Variant of Uncertain Significance. Advanced modeling of protein sequence and biophysical properties (such as structural, functional, and spatial information, amino acid conservation, physicochemical variation, residue mobility, and thermodynamic stability) performed at Invitae indicates that this missense variant is expected to disrupt CREB3L3 protein function. This variant has not been reported in the literature in individuals affected with CREB3L3-related conditions. This variant is not present in population databases (gnomAD no frequency).

NM_032607.3(CREB3L3):c.1079C>T (p.Ser360Phe)

Gene: CREB3L3 (cAMP responsive element binding protein 3 like 3; plus strand). Cytogenetic location: 19p13.3.
Variant type: single nucleotide variant.
Coding change: c.1079C>T on transcript NM_032607.3 (MANE Select); coding-DNA position 1079, C replaced by T.
Protein change: p.Ser360Phe; replaces serine 360 with phenylalanine.
Molecular consequence: missense variant. On other transcripts: synonymous variant (1).
Genome position (GRCh38, 1-based): chr19:4,171,662, C>T. VCF-style: chr19-4171662-C-T. GRCh37 (hg19) VCF-style: chr19-4171659-C-T.
Other names: c.1076C>T, p.Ser359Phe (NM_001271995.2); c.1073C>T, p.Ser358Phe (NM_001271996.2); c.972C>T, p.Leu324= (NM_001271997.2); short protein forms S358F, S359F, S360F.
Identifiers: ClinVar variation 2794884 (VCV002794884.3), dbSNP rs1018700037, ClinGen allele CA403409749.